The following is an entry in ClinVar:

NM_001163809.2(WDR81):c.1045G>C (p.Val349Leu)

Gene: WDR81 (WD repeat domain 81; plus strand). Cytogenetic location: 17p13.3.
Variant type: single nucleotide variant.
Coding change: c.1045G>C on transcript NM_001163809.2 (MANE Select); coding-DNA position 1045, G replaced by C.
Protein change: p.Val349Leu; replaces valine 349 with leucine.
Molecular consequence: missense variant. On other transcripts: intron variant (3).
Genome position (GRCh38, 1-based): chr17:1,726,004, G>C. VCF-style: chr17-1726004-G-C. GRCh37 (hg19) VCF-style: chr17-1629298-G-C.
Other names: c.-123-1986G>C (NM_152348.4); c.59-4376G>C (NM_001163673.2); c.-15+1218G>C (NM_001163811.2); short protein forms V349L.
Identifiers: ClinVar variation 596303 (VCV000596303.9), dbSNP rs150798889, ClinGen allele CA8273013.

ClinVar aggregate classification (germline): Conflicting classifications of pathogenicity. Review status: criteria provided, conflicting classifications (1 of 4 stars). 4 submissions from 4 submitters: Uncertain significance (3); Likely benign (1). Last evaluated 2025-10-01.

Conditions:
Cerebellar ataxia, impaired intellectual development, and dysequilibrium syndrome 2. Also called: CEREBELLAR ATAXIA, MENTAL RETARDATION, AND DYSEQUILIBRIUM SYNDROME 2; CEREBELLAR ATAXIA AND MENTAL RETARDATION WITH OR WITHOUT QUADRUPEDAL LOCOMOTION 2; Cerebellar ataxia, intellectual disability, and dysequilibrium syndrome 2. Identifiers: Orphanet 1766, MedGen C2750234, MONDO:0012430, OMIM 610185.
Hydrocephalus, congenital, 3, with brain anomalies. Also called: HYDROCEPHALUS, NONSYNDROMIC, AUTOSOMAL RECESSIVE 3. Identifiers: MedGen C4747885, MONDO:0054794, OMIM 617967.
WDR81-related disorder. Also called: WDR81-related condition.

Allele frequency attached by ClinVar (database versions not stated): ExAC 0.00047; TOPMed 0.00083; 1000 Genomes Project 0.00160; 1000 Genomes Project 30x 0.00109.
gnomAD v4.1: 220 of 1,547,382 alleles (0.014%); highest among the groups gnomAD compares: African/African-American, 0.25%; no homozygotes.

Submissions (4):

PreventionGenetics, part of Exact Sciences
Classification: Likely benign for WDR81-related condition. Last evaluated: 2025-10-01. Review status: criteria provided, single submitter. Criteria: ACMG Guidelines, 2015. Collection method: clinical testing. Allele origin: germline.
Comment: This variant is classified as likely benign based on ACMG/AMP sequence variant interpretation guidelines (Richards et al. 2015 PMID: 25741868, with internal and published modifications).

GeneDx
Classification: Uncertain significance. Last evaluated: 2024-05-03. Review status: criteria provided, single submitter. Criteria: GeneDx Variant Classification Process June 2021. Collection method: clinical testing. Allele origin: germline. Affected: yes.
Comment: In silico analysis indicates that this missense variant does not alter protein structure/function; Has not been previously published as pathogenic or benign to our knowledge

New York Genome Center
Classification: Uncertain significance for Cerebellar ataxia, impaired intellectual development, and dysequilibrium syndrome 2; Hydrocephalus, congenital, 3, with brain anomalies. Last evaluated: 2021-09-27. Review status: criteria provided, single submitter. Criteria: NYGC Assertion Criteria 2020. Collection method: clinical testing. Allele origin: germline. Observed: 1 variant allele. Study: CSER-NYCKidSeq.

Eurofins Ntd Llc (ga)
Classification: Uncertain significance. Last evaluated: 2018-02-26. Review status: criteria provided, single submitter. Criteria: EGL ClinVar v180209 classification definitions. Collection method: clinical testing. Allele origin: germline. Observed: 1 variant allele, 1 heterozygote.